The following continues an entry in ClinVar:

NM_000492.4(CFTR):c.220C>T (p.Arg74Trp)

Gene: CFTR. ClinVar aggregate classification (germline): drug response. drug response (1).

Submissions 17 to 25 of 25:

Sema4
Classification: Likely benign for Hereditary pancreatitis. Last evaluated: 2020-12-21. Review status: criteria provided, single submitter. Criteria: Sema4 Curation Guidelines. Collection method: curation. Allele origin: germline. Not counted in ClinVar's aggregate classification.

Baylor Genetics
Classification: Pathogenic for Cystic fibrosis. Last evaluated: 2020-06-20. Review status: criteria provided, single submitter. Criteria: ACMG Guidelines, 2015. Collection method: clinical testing. Allele origin: unknown. Affected: yes. Study: CSER-TexasKidsCanSeq. Not counted in ClinVar's aggregate classification.
Comment: This variant was determined to be pathogenic according to ACMG Guidelines, 2015 [PMID:25741868].

Johns Hopkins Genomics, Johns Hopkins University
Classification: Likely pathogenic for Cystic fibrosis. Last evaluated: 2020-06-11. Review status: criteria provided, single submitter. Criteria: ACMG Guidelines, 2015. Collection method: clinical testing. Allele origin: germline. Not counted in ClinVar's aggregate classification.
Comment: CFTR variant associated with varying clinical consequence. See CFTR2 for phenotype information.

Mendelics
Classification: Likely benign for Cystic fibrosis. Last evaluated: 2019-05-28. Review status: criteria provided, single submitter. Criteria: Mendelics Assertion Criteria 2017. Collection method: clinical testing. Allele origin: unknown. Not counted in ClinVar's aggregate classification.

Eurofins Ntd Llc (ga)
Classification: Likely pathogenic. Last evaluated: 2018-08-03. Review status: criteria provided, single submitter. Criteria: EGL ClinVar v180209 classification definitions. Collection method: clinical testing. Allele origin: germline. Observed: 58 variant alleles, 58 heterozygotes. Not counted in ClinVar's aggregate classification.

Laboratory for Molecular Medicine, Mass General Brigham Personalized Medicine
Classification: Likely benign. Last evaluated: 2018-07-06. Review status: criteria provided, single submitter. Criteria: LMM Criteria. Collection method: clinical testing. Allele origin: germline. Observed: 1 variant allele. Not counted in ClinVar's aggregate classification.
Comment: The p.Arg74Trp variant in CFTR has been reported as a complex allele (p.[Arg74Tr p;Asp1270Asn] or p.[Arg74Trp;Val201Met;Asp1270Asn]) in several individuals with CFTR-related conditions (Aguiano 1992, Casals 1995, Fanen 1999, Padoa 1999, Ravn ik-Glavac 2000, Luzardo 2002, Girodon 2002, Masson 2013, Sosnay 2013, Terlizzi 2 017, Behar 2017, Claustres 20004, Brugnon 2008, de Prada Merino 2010, Steiner 20 11). However, it has also been reported in 1 unaffected child who carried the p. [Arg74Trp;Asp1270Asn] complex allele in trans with a known pathogenic variant (T erlizzi 2017) and in unaffected twins who carried the p.[Arg74Trp;Val201Met;Asp1 270Asn] complex allele in trans with p.Phe508del (Terlizzi 2017, Brugnon 2008). In addition, the p.Arg74Trp variant has been identified in 1.3% (311/24024) of A frican chromosomes, including 3 homozygotes, by the Genome Aggregation Database (gnomAD). An in vitro functional study suggest ed that the p.Arg74Trp variant did not impact protein function (Fanen 1999). Due to its high frequency in GnomAD and observation in unaffecteds, the p.Arg74Trp variant is classified as likely benign. ACMG/AMP Criteria applied: BS1.

GeneDx
Classification: Uncertain significance. Last evaluated: 2016-06-10. Review status: criteria provided, single submitter. Criteria: GeneDx Variant Classification (06012015). Collection method: clinical testing. Allele origin: germline. Affected: yes. Not counted in ClinVar's aggregate classification.
Comment: The R74W variant in the CFTR gene has been reported previously as heterozygous in one individual with CF; no other variants in the CFTR gene were identified in this individual (Claustres et al., 1993). Expression studies in FRT cells showed that D1270N transfected cells displayed decreased chloride transport activity compared to wild type cells (Van Goor et al., 2014). However, an earlier functional study in HeLa cells showed that D1270N transfected cells displayed chloride transport kinetics similar to wild type cells (Fanen et al., 1999). The R74W variant is a non-conservative amino acid substitution, which is likely to impact secondary protein structure as these residues differ in polarity, charge, size and/or other properties. This substitution occurs at a position where amino acids with similar properties to Arginine are tolerated across species. In silico analysis is inconsistent in its predictions as to whether or not the variant is damaging to the protein structure/function. We interpret R74W as a variant of uncertain significance.

Center for Pediatric Genomic Medicine, Children's Mercy Hospital and Clinics
Classification: Likely pathogenic. Last evaluated: 2015-03-23. Review status: criteria provided, single submitter. Criteria: ACMG Guidelines, 2015. Collection method: clinical testing. Allele origin: germline. Not counted in ClinVar's aggregate classification.

Counsyl
Classification: Uncertain significance for Cystic fibrosis. Last evaluated: 2017-11-25. Review status: no assertion criteria provided. Collection method: clinical testing. Allele origin: unknown. Not counted in ClinVar's aggregate classification.

Literature cited by the submitters: PubMed 23891399 (cited by 5 submitters); PubMed 7691344 (cited by 5 submitters); PubMed 36670555 (cited by Quest Diagnostics Nichols Institute San Juan Capistrano); PubMed 36631132 (cited by Quest Diagnostics Nichols Institute San Juan Capistrano); PubMed 36142302 (cited by Quest Diagnostics Nichols Institute San Juan Capistrano); PubMed 36293274 (cited by Quest Diagnostics Nichols Institute San Juan Capistrano); PubMed 26946416 (cited by Quest Diagnostics Nichols Institute San Juan Capistrano and Sema4); PubMed 36828084 (cited by Quest Diagnostics Nichols Institute San Juan Capistrano); PubMed 36409994 (cited by Quest Diagnostics Nichols Institute San Juan Capistrano); PubMed 20880762 (cited by 4 submitters); PubMed 37327085 (cited by Quest Diagnostics Nichols Institute San Juan Capistrano); PubMed 37431359 (cited by Quest Diagnostics Nichols Institute San Juan Capistrano); PubMed 36982273 (cited by Quest Diagnostics Nichols Institute San Juan Capistrano); PubMed 28546993 (cited by Quest Diagnostics Nichols Institute San Juan Capistrano and Laboratory for Molecular Medicine, Mass General Brigham Personalized Medicine); PubMed 33946859 (cited by Quest Diagnostics Nichols Institute San Juan Capistrano); PubMed 34996830 (cited by Quest Diagnostics Nichols Institute San Juan Capistrano); PubMed 33771570 (cited by Quest Diagnostics Nichols Institute San Juan Capistrano); PubMed 33949881 (cited by Quest Diagnostics Nichols Institute San Juan Capistrano); PubMed 33572515 (cited by Quest Diagnostics Nichols Institute San Juan Capistrano); PubMed 29859674 (cited by Quest Diagnostics Nichols Institute San Juan Capistrano); PubMed 29271547 (cited by Quest Diagnostics Nichols Institute San Juan Capistrano); PubMed 27738188 (cited by 4 submitters); PubMed 38388235 (cited by Quest Diagnostics Nichols Institute San Juan Capistrano and Ambry Genetics); PubMed 38203285 (cited by Quest Diagnostics Nichols Institute San Juan Capistrano); PubMed 37761847 (cited by Quest Diagnostics Nichols Institute San Juan Capistrano); PubMed 32934006 (cited by Quest Diagnostics Nichols Institute San Juan Capistrano); PubMed 31005549 (cited by Quest Diagnostics Nichols Institute San Juan Capistrano and Women's Health and Genetics/Laboratory Corporation of America, LabCorp); PubMed 32357917 (cited by 3 submitters); PubMed 30600599 (cited by Quest Diagnostics Nichols Institute San Juan Capistrano and Ambry Genetics); PubMed 31350925 (cited by Quest Diagnostics Nichols Institute San Juan Capistrano); PubMed 31665830 (cited by Quest Diagnostics Nichols Institute San Juan Capistrano); PubMed 32484936 (cited by Quest Diagnostics Nichols Institute San Juan Capistrano); PubMed 32773111 (cited by Quest Diagnostics Nichols Institute San Juan Capistrano); PubMed 32172930 (cited by Quest Diagnostics Nichols Institute San Juan Capistrano); PubMed 32926152 (cited by Quest Diagnostics Nichols Institute San Juan Capistrano); PubMed 32819855 (cited by Quest Diagnostics Nichols Institute San Juan Capistrano); PubMed 32687833 (cited by Quest Diagnostics Nichols Institute San Juan Capistrano); PubMed 32256364 (cited by Quest Diagnostics Nichols Institute San Juan Capistrano); PubMed 35451201 (cited by Quest Diagnostics Nichols Institute San Juan Capistrano); PubMed 35626323 (cited by Quest Diagnostics Nichols Institute San Juan Capistrano); PubMed 35527187 (cited by Quest Diagnostics Nichols Institute San Juan Capistrano); PubMed 35171259 (cited by Quest Diagnostics Nichols Institute San Juan Capistrano); PubMed 35698092 (cited by Quest Diagnostics Nichols Institute San Juan Capistrano); PubMed 39262237 (cited by Quest Diagnostics Nichols Institute San Juan Capistrano); PubMed 39273547 (cited by Quest Diagnostics Nichols Institute San Juan Capistrano); PubMed 36552859 (cited by Quest Diagnostics Nichols Institute San Juan Capistrano); PubMed 7513889 (cited by Quest Diagnostics Nichols Institute San Juan Capistrano and Women's Health and Genetics/Laboratory Corporation of America, LabCorp); PubMed 7529962 (cited by Quest Diagnostics Nichols Institute San Juan Capistrano and Women's Health and Genetics/Laboratory Corporation of America, LabCorp); PubMed 10875853 (cited by Quest Diagnostics Nichols Institute San Juan Capistrano and Women's Health and Genetics/Laboratory Corporation of America, LabCorp); PubMed 10923036 (cited by Quest Diagnostics Nichols Institute San Juan Capistrano and Women's Health and Genetics/Laboratory Corporation of America, LabCorp); PubMed 12127423 (cited by Quest Diagnostics Nichols Institute San Juan Capistrano and Laboratory for Molecular Medicine, Mass General Brigham Personalized Medicine); PubMed 12439892 (cited by Quest Diagnostics Nichols Institute San Juan Capistrano and Counsyl); PubMed 14963811 (cited by Quest Diagnostics Nichols Institute San Juan Capistrano and Laboratory for Molecular Medicine, Mass General Brigham Personalized Medicine); PubMed 15371903 (cited by Quest Diagnostics Nichols Institute San Juan Capistrano and Women's Health and Genetics/Laboratory Corporation of America, LabCorp); PubMed 15520400 (cited by Quest Diagnostics Nichols Institute San Juan Capistrano and Women's Health and Genetics/Laboratory Corporation of America, LabCorp); PubMed 15744517 (cited by Quest Diagnostics Nichols Institute San Juan Capistrano and Laboratory for Molecular Medicine, Mass General Brigham Personalized Medicine); PubMed 15858154 (cited by Quest Diagnostics Nichols Institute San Juan Capistrano and Counsyl); PubMed 17329263 (cited by Quest Diagnostics Nichols Institute San Juan Capistrano and Women's Health and Genetics/Laboratory Corporation of America, LabCorp); PubMed 17331079 (cited by Quest Diagnostics Nichols Institute San Juan Capistrano and Women's Health and Genetics/Laboratory Corporation of America, LabCorp); PubMed 20460946 (cited by Quest Diagnostics Nichols Institute San Juan Capistrano and Women's Health and Genetics/Laboratory Corporation of America, LabCorp); PubMed 21520337 (cited by 3 submitters); PubMed 23687349 (cited by Quest Diagnostics Nichols Institute San Juan Capistrano and Counsyl); PubMed 24451227 (cited by Quest Diagnostics Nichols Institute San Juan Capistrano and Women's Health and Genetics/Laboratory Corporation of America, LabCorp); PubMed 24525081 (cited by Quest Diagnostics Nichols Institute San Juan Capistrano and Counsyl); PubMed 25033378 (cited by Quest Diagnostics Nichols Institute San Juan Capistrano and Women's Health and Genetics/Laboratory Corporation of America, LabCorp); PubMed 25304080 (cited by Quest Diagnostics Nichols Institute San Juan Capistrano and Women's Health and Genetics/Laboratory Corporation of America, LabCorp); PubMed 26900683 (cited by Quest Diagnostics Nichols Institute San Juan Capistrano and Women's Health and Genetics/Laboratory Corporation of America, LabCorp); PubMed 27022295 (cited by Quest Diagnostics Nichols Institute San Juan Capistrano and Women's Health and Genetics/Laboratory Corporation of America, LabCorp); PubMed 27264265 (cited by Quest Diagnostics Nichols Institute San Juan Capistrano and Women's Health and Genetics/Laboratory Corporation of America, LabCorp); PubMed 28603918 (cited by Quest Diagnostics Nichols Institute San Juan Capistrano and Women's Health and Genetics/Laboratory Corporation of America, LabCorp); PubMed 18703181 (cited by 3 submitters); PubMed 23974870 (cited by 4 submitters); PubMed 10386624 (cited by 4 submitters); PubMed 17975025 (cited by Quest Diagnostics Nichols Institute San Juan Capistrano); PubMed 7532150 (cited by 3 submitters); PubMed 15287992 (cited by 3 submitters); PubMed 23420618 (cited by 4 submitters); PubMed 23951356 (cited by Quest Diagnostics Nichols Institute San Juan Capistrano and Laboratory for Molecular Medicine, Mass General Brigham Personalized Medicine); PubMed 20981092 (cited by Quest Diagnostics Nichols Institute San Juan Capistrano); PubMed 34086689 (cited by Quest Diagnostics Nichols Institute San Juan Capistrano); PubMed 33260873 (cited by Quest Diagnostics Nichols Institute San Juan Capistrano); PubMed 33020115 (cited by Quest Diagnostics Nichols Institute San Juan Capistrano); PubMed 33341408 (cited by Quest Diagnostics Nichols Institute San Juan Capistrano); PubMed 25910067 (cited by Ambry Genetics); PubMed 26014425 (cited by Women's Health and Genetics/Laboratory Corporation of America, LabCorp); PubMed 18456578 (cited by Laboratory for Molecular Medicine, Mass General Brigham Personalized Medicine).